The following is an entry in ClinVar:

NM_199355.4(ADAMTS18):c.653C>A (p.Pro218His)

Gene: ADAMTS18 (ADAM metallopeptidase with thrombospondin type 1 motif 18; minus strand). Cytogenetic location: 16q23.1.
Variant type: single nucleotide variant.
Coding change: c.653C>A on transcript NM_199355.4 (MANE Select); coding-DNA position 653, C replaced by A.
Protein change: p.Pro218His; replaces proline 218 with histidine.
Molecular consequence: missense variant.
Genome position (GRCh38, 1-based): chr16:77,367,566, G>T on the plus strand (C>A on the coding strand, the complement: ADAMTS18 is on the minus strand). VCF-style: chr16-77367566-G-T. GRCh37 (hg19) VCF-style: chr16-77401463-G-T.
Other names: c.133C>A, p.Pro45Thr (NM_001326358.2); short protein forms P218H, P45T.
Identifiers: ClinVar variation 1496862 (VCV001496862.8), dbSNP rs141796905, ClinGen allele CA396825399.

ClinVar aggregate classification (germline): Uncertain significance (1 of 4 stars; one submission).

gnomAD v4.1: 13 of 1,614,102 alleles (0.00081%); highest among the groups gnomAD compares: Non-Finnish European, 0.0011%; no homozygotes.

Submission:

Labcorp Genetics (formerly Invitae), Labcorp
Classification: Uncertain significance. Last evaluated: 2024-07-29. Review status: criteria provided, single submitter. Criteria: Invitae Variant Classification Sherloc (09022015). Collection method: clinical testing. Allele origin: germline.
Comment: This sequence change replaces proline, which is neutral and non-polar, with histidine, which is basic and polar, at codon 218 of the ADAMTS18 protein (p.Pro218His). This variant is present in population databases (no rsID available, gnomAD 0.003%). This variant has not been reported in the literature in individuals affected with ADAMTS18-related conditions. ClinVar contains an entry for this variant (Variation ID: 1496862). An algorithm developed to predict the effect of missense changes on protein structure and function (PolyPhen-2) suggests that this variant is likely to be tolerated. In summary, the available evidence is currently insufficient to determine the role of this variant in disease. Therefore, it has been classified as a Variant of Uncertain Significance.